The following is an entry in ClinVar:

NM_000548.5(TSC2):c.4359del (p.Ser1454fs)

Gene: TSC2 (TSC complex subunit 2; plus strand). Cytogenetic location: 16p13.3.
Variant type: Deletion.
Coding change: c.4359del on transcript NM_000548.5 (MANE Select); coding-DNA position 4359, one base deleted (C; older notation c.4359delC).
Protein change: p.Ser1454fs; shifts the reading frame from serine 1454.
Molecular consequence: frameshift variant.
Genome position (GRCh38, 1-based): chr16:2,084,581, C deleted; the last of 3 consecutive C bases (chr16:2,084,579-2,084,581); deleting any one gives the same sequence. VCF-style (leftmost placement, unchanged base first): chr16-2084578-GC-G. GRCh37 (hg19) VCF-style: chr16-2134579-GC-G.
Other names: c.4158del, p.Ser1387fs (NM_001077183.3); c.4290del, p.Ser1431fs (NM_001114382.3); c.4050del, p.Ser1351fs (NM_001318827.2); c.4014del, p.Ser1339fs (NM_001318829.2); c.3627del, p.Ser1210fs (NM_001318831.2); c.4191del, p.Ser1398fs (NM_001318832.2); c.4161del, p.Ser1388fs (NM_001363528.2); c.4227del, p.Ser1410fs (NM_001370404.1); and 1 more; short protein forms S1398fs, S1410fs, S1431fs, S1454fs, S1210fs, S1387fs, S1388fs, S1411fs.
Identifiers: ClinVar variation 1453766 (VCV001453766.6), dbSNP rs397515237, ClinGen allele CA2573151652.

ClinVar aggregate classification (germline): Pathogenic (1 of 4 stars; one submission).

Conditions:
Tuberous sclerosis 2 (TSC2). Identifiers: Orphanet 805, MedGen C1860707, MONDO:0013199, OMIM 613254.

Submission:

Labcorp Genetics (formerly Invitae), Labcorp
Classification: Pathogenic for Tuberous sclerosis 2. Last evaluated: 2021-05-27. Review status: criteria provided, single submitter. Criteria: Invitae Variant Classification Sherloc (09022015). Collection method: clinical testing. Allele origin: germline.
Comment: This sequence change creates a premature translational stop signal (p.Ser1454Valfs*22) in the TSC2 gene. It is expected to result in an absent or disrupted protein product. Loss-of-function variants in TSC2 are known to be pathogenic (PMID: 10205261, 17304050). This variant is not present in population databases (ExAC no frequency). This variant has not been reported in the literature in individuals with TSC2-related conditions. For these reasons, this variant has been classified as Pathogenic.

Literature cited by the submitters: PubMed 10205261; PubMed 17304050.